The following is an entry in ClinVar:

NM_007294.4(BRCA1):c.5321A>T (p.Asn1774Ile)

Gene: BRCA1 (BRCA1 DNA repair associated; minus strand). Cytogenetic location: 17q21.31.
Variant type: single nucleotide variant.
Coding change: c.5321A>T on transcript NM_007294.4 (MANE Select); coding-DNA position 5321, A replaced by T.
Protein change: p.Asn1774Ile; replaces asparagine 1774 with isoleucine.
Molecular consequence: missense variant. On other transcripts: non-coding transcript variant (1).
Genome position (GRCh38, 1-based): chr17:43,051,074, T>A on the plus strand (A>T on the coding strand, the complement: BRCA1 is on the minus strand). VCF-style: chr17-43051074-T-A. GRCh37 (hg19) VCF-style: chr17-41203091-T-A.
Other names: c.5108A>T, p.Asn1703Ile (NM_001407571.1, NM_001407894.1, NM_001407895.1 and 12 more transcripts); c.5387A>T, p.Asn1796Ile (NM_001407581.1, NM_001407582.1); c.5384A>T, p.Asn1795Ile (NM_001407583.1, NM_001407585.1, NM_001407587.1 and 1 more transcripts); c.5381A>T, p.Asn1794Ile (NM_001407590.1, NM_001407591.1); c.5321A>T, p.Asn1774Ile (NM_001407593.1, NM_001407594.1, NM_001407596.1 and 6 more transcripts); c.5318A>T, p.Asn1773Ile (NM_001407617.1, NM_001407618.1, NM_001407619.1 and 17 more transcripts); c.5315A>T, p.Asn1772Ile (NM_001407636.1, NM_001407637.1, NM_001407638.1 and 14 more transcripts); c.5312A>T, p.Asn1771Ile (NM_001407644.1, NM_001407645.1); and 72 more; short protein forms N1774I, N670I, N1727I, N1795I, N1477I, N1478I, N1620I, N1645I.
Identifiers: ClinVar variation 867994 (VCV000867994.3), dbSNP rs587781770, ClinGen allele CA10590909.
Genomic context (GRCh38, chr17:43,051,074, plus strand): 5'-GTAAGACAAAGGCTGGTGCTGGAACTCTGGGGTTCTCCCAGGCTCTTACCTGTGGGCATG[T>A]TGGTGAAGGGCCCATAGCAACAGATTTCTAGCCCCCTGAAGATCTGGAAGAAGAGAGGAA-3'
Protein context (NP_009225.1, residues 1764-1784): LEICCYGPFT[Asn1774Ile]MPTDQLEWMV

Conditions:
Breast-ovarian cancer, familial, susceptibility to, 1 (BROVCA1). Also called: BRCA1 Hereditary Breast and Ovarian Cancer; OVARIAN CANCER, SUSCEPTIBILITY TO. Identifiers: Orphanet 145, MedGen C2676676, MONDO:0011450, OMIM 604370. Disease mechanism: loss of function.

Submission:

Brotman Baty Institute, University of Washington
No classification provided (evidence only). Condition: Breast-ovarian cancer, familial 1. Review status: no classification provided. Collection method: in vitro. Allele origin: not applicable. Functional consequence: functionally_normal.
ClinVar note: "not provided" was previously submitted as the classification for the variant. However, the classification appeared to be based only on an observation of functional data so it was converted to no classification on 2025-07-30.